The following is an entry in ClinVar:

NM_178013.4(PRIMA1):c.22C>G (p.Leu8Val)

Gene: PRIMA1 (proline rich membrane anchor 1; minus strand). Cytogenetic location: 14q32.12.
Variant type: single nucleotide variant.
Coding change: c.22C>G on transcript NM_178013.4 (MANE Select); coding-DNA position 22, C replaced by G.
Protein change: p.Leu8Val; replaces leucine 8 with valine.
Molecular consequence: missense variant.
Genome position (GRCh38, 1-based): chr14:93,787,697, G>C on the plus strand (C>G on the coding strand, the complement: PRIMA1 is on the minus strand). VCF-style: chr14-93787697-G-C. GRCh37 (hg19) VCF-style: chr14-94254043-G-C.
Other names: short protein forms L8V.
Identifiers: ClinVar variation 1522910 (VCV001522910.8), dbSNP rs2141200976, ClinGen allele CA391147045.

ClinVar aggregate classification (germline): Uncertain significance (1 of 4 stars; one submission).

Conditions:
Familial sleep-related hypermotor epilepsy. Also called: Autosomal Dominant Sleep-Related Hypermotor (Hyperkinetic) Epilepsy. Identifiers: Orphanet 98784, MedGen C3696898, MONDO:0000030.

gnomAD v4.1: 1 of 1,544,396 alleles (0.000065%); highest among the groups gnomAD compares: African/African-American, 0.0014%; no homozygotes.

Submission:

Labcorp Genetics (formerly Invitae), Labcorp
Classification: Uncertain significance for Familial sleep-related hypermotor epilepsy. Last evaluated: 2022-08-15. Review status: criteria provided, single submitter. Criteria: Invitae Variant Classification Sherloc (09022015). Collection method: clinical testing. Allele origin: germline.
Comment: This sequence change replaces leucine, which is neutral and non-polar, with valine, which is neutral and non-polar, at codon 8 of the PRIMA1 protein (p.Leu8Val). In summary, the available evidence is currently insufficient to determine the role of this variant in disease. Therefore, it has been classified as a Variant of Uncertain Significance. Algorithms developed to predict the effect of sequence changes on RNA splicing suggest that this variant may create or strengthen a splice site. Algorithms developed to predict the effect of missense changes on protein structure and function are either unavailable or do not agree on the potential impact of this missense change (SIFT: "Tolerated"; PolyPhen-2: "Possibly Damaging"; Align-GVGD: "Class C0"). ClinVar contains an entry for this variant (Variation ID: 1522910). This variant has not been reported in the literature in individuals affected with PRIMA1-related conditions. This variant is not present in population databases (gnomAD no frequency).